The following is an entry in ClinVar:

NM_000944.5(PPP3CA):c.517C>A (p.Arg173Ser)

Gene: PPP3CA (protein phosphatase 3 catalytic subunit alpha; minus strand). Cytogenetic location: 4q24.
Variant type: single nucleotide variant.
Coding change: c.517C>A on transcript NM_000944.5 (MANE Select); coding-DNA position 517, C replaced by A.
Protein change: p.Arg173Ser; replaces arginine 173 with serine.
Molecular consequence: missense variant.
Genome position (GRCh38, 1-based): chr4:101,098,492, G>T on the plus strand (C>A on the coding strand, the complement: PPP3CA is on the minus strand). VCF-style: chr4-101098492-G-T. GRCh37 (hg19) VCF-style: chr4-102019649-G-T.
Other names: c.517C>A, p.Arg173Ser (NM_001130691.2, NM_001130692.2); short protein forms R173S.
Identifiers: ClinVar variation 3685866 (VCV003685866.2).
Genomic context (GRCh38, chr4:101,098,492, plus strand): 5'-GGTTCATCAGGGCAGCCAGGGGAAGGCAGTCAAAGGCATCCATACAGGCATCATATACGC[G>T]TTCTGAATACTTTATTTTACCTTTTAGAAGTGATTAAAAGAATACTTATGATTTATAGGC-3'
Protein context (NP_000935.1, residues 163-183): KQECKIKYSE[Arg173Ser]VYDACMDAFD

ClinVar aggregate classification (germline): Uncertain significance (1 of 4 stars; one submission).

gnomAD v4.1: 4 of 1,606,724 alleles (0.00025%); highest among the groups gnomAD compares: Non-Finnish European, 0.00034%; no homozygotes.

Submission:

Labcorp Genetics (formerly Invitae), Labcorp
Classification: Uncertain significance. Last evaluated: 2025-01-06. Review status: criteria provided, single submitter. Criteria: Invitae Variant Classification Sherloc (09022015). Collection method: clinical testing. Allele origin: germline.
Comment: This sequence change replaces arginine, which is basic and polar, with serine, which is neutral and polar, at codon 173 of the PPP3CA protein (p.Arg173Ser). This variant is present in population databases (rs777415869, gnomAD 0.002%). This variant has not been reported in the literature in individuals affected with PPP3CA-related conditions. Invitae Evidence Modeling of protein sequence and biophysical properties (such as structural, functional, and spatial information, amino acid conservation, physicochemical variation, residue mobility, and thermodynamic stability) indicates that this missense variant is not expected to disrupt PPP3CA protein function with a negative predictive value of 80%. In summary, the available evidence is currently insufficient to determine the role of this variant in disease. Therefore, it has been classified as a Variant of Uncertain Significance.